The following is an entry in ClinVar:

NM_000110.4(DPYD):c.2320G>A (p.Ala774Thr)

Genes: DPYD (dihydropyrimidine dehydrogenase; minus strand), DPYD-AS1 (DPYD antisense RNA 1; plus strand). Cytogenetic location: 1p21.3.
Variant type: single nucleotide variant.
Coding change: c.2320G>A on transcript NM_000110.4 (MANE Select); coding-DNA position 2320, G replaced by A.
Protein change: p.Ala774Thr; replaces alanine 774 with threonine.
Molecular consequence: missense variant.
Genome position (GRCh38, 1-based): chr1:97,234,974, C>T on the plus strand (G>A on the coding strand, the complement: DPYD is on the minus strand). VCF-style: chr1-97234974-C-T. GRCh37 (hg19) VCF-style: chr1-97700530-C-T.
Other names: short protein forms A774T.
Identifiers: ClinVar variation 1789580 (VCV001789580.2), dbSNP rs1304906107, ClinGen allele CA341374624.
Genomic context (GRCh38, chr1:97,234,974, plus strand): 5'-CAGTAGCCAAAATGGGAAATCCAGGCAGAGCACGAGCAATGGAGGTCACAGCTCTCAAAG[C>T]AATAGGTCTGATTGCTGTCCCTACACAAAATCAGAATAATCAATGGTTAGCACACTGACC-3'
Protein context (NP_000101.2, residues 764-784): GVSGTAIRPI[Ala774Thr]LRAVTSIARA

ClinVar aggregate classification (germline): Uncertain significance (1 of 4 stars; one submission).

Conditions:
Inborn genetic diseases. Identifiers: MedGen C0950123, MeSH D030342.

Allele frequency attached by ClinVar (database versions not stated): gnomAD 0.00001; TOPMed 0.00001; gnomAD exomes 0.00002.
gnomAD v4.1: 25 of 1,613,920 alleles (0.0015%); highest among the groups gnomAD compares: Non-Finnish European, 0.002%; no homozygotes.

Submission:

Ambry Genetics
Classification: Uncertain significance for Inborn genetic diseases. Last evaluated: 2021-08-02. Review status: criteria provided, single submitter. Criteria: Ambry Variant Classification Scheme 2023. Collection method: clinical testing. Allele origin: germline.
Comment: The p.A774T variant (also known as c.2320G>A), located in coding exon 19 of the DPYD gene, results from a G to A substitution at nucleotide position 2320. The alanine at codon 774 is replaced by threonine, an amino acid with similar properties. This amino acid position is conserved. In addition, this alteration is predicted to be deleterious by in silico analysis. Since supporting evidence is limited at this time, the clinical significance of this alteration remains unclear.